The following is an entry in ClinVar:

NM_138694.4(PKHD1):c.6374_6375dup (p.His2126fs)

Gene: PKHD1 (PKHD1 ciliary IPT domain containing fibrocystin/polyductin; minus strand). Cytogenetic location: 6p12.2.
Variant type: Duplication.
Coding change: c.6374_6375dup on transcript NM_138694.4 (MANE Select); coding-DNA positions 6374 to 6375, 2 bases duplicated (AC; older notation c.6374_6375dupAC).
Protein change: p.His2126fs; shifts the reading frame from histidine 2126.
Molecular consequence: frameshift variant.
Genome position (GRCh38, 1-based): chr6:51,911,914-51,911,915, GT duplicated on the plus strand (AC on the coding strand, the reverse complement: PKHD1 is on the minus strand); duplicating any 2 consecutive bases within chr6:51,911,914-51,911,916 gives the same sequence; the c. name uses the placement nearest the transcript's 3' end. VCF-style (leftmost placement, unchanged base first): chr6-51911913-G-GGT. GRCh37 (hg19) VCF-style: chr6-51776711-G-GGT.
Other names: c.6374_6375dup, p.His2126fs (NM_170724.3); short protein forms H2126fs.
Identifiers: ClinVar variation 4060081 (VCV004060081.2).
Genomic context (GRCh38, chr6:51,911,913, plus strand): 5'-TGAGATTTCCTTGTATGGTAATACTCCTGCTGAGCAGAGCCACAGTGGCCTTTAAAATAT[G>GGT]GTGCTCTCCAGCCACCCAATTCTCTGTAAAGTTGTGAGAATATCTGGAGAAAAAAAGAGG-3'

ClinVar aggregate classification (germline): Likely pathogenic (1 of 4 stars; one submission).

Conditions:
Autosomal recessive polycystic kidney disease (ARPKD). Also called: AR polycystic kidney disease. Identifiers: Orphanet 731, Orphanet 8378, MedGen C0085548, MeSH D017044, MONDO:0009889.

Submission:

Natera, Inc.
Classification: Likely pathogenic for Autosomal recessive polycystic kidney disease. Last evaluated: 2025-03-24. Review status: criteria provided, single submitter. Criteria: Natera Variant Classification Schema (03/2026). Collection method: clinical testing. Allele origin: germline.
Comment: The c.6374_6375dup variant in PKHD1 is a frameshift variant predicted to shift the reading frame beginning at codon 2126 and leads to a stop codon 4 codons downstream. This variant is expected to result in nonsense mediated decay, truncation, or a dysfunctional protein product. This variant is rare in the general population with a frequency below the threshold expected for the associated phenotype(s). Given the available evidence, this variant is classified as Likely Pathogenic.